The following is an entry in ClinVar:

NM_000059.4(BRCA2):c.6938-624G>T

Gene: BRCA2 (BRCA2 DNA repair associated; plus strand). Cytogenetic location: 13q13.1.
Variant type: single nucleotide variant.
Coding change: c.6938-624G>T on transcript NM_000059.4 (MANE Select); 624 bases into the intron before coding-DNA position 6938, G replaced by T.
Molecular consequence: intron variant.
Genome position (GRCh38, 1-based): chr13:32,346,203, G>T. VCF-style: chr13-32346203-G-T. GRCh37 (hg19) VCF-style: chr13-32920340-G-T.
Other names: IVS 12-624G>T.
Identifiers: ClinVar variation 209712 (VCV000209712.2), dbSNP rs74834625, ClinGen allele CA276680.

ClinVar aggregate classification (germline): Benign. Review status: reviewed by expert panel (3 of 4 stars). 2 submissions from 2 submitters: Benign (1). 1 of the submissions does not count toward it. Last evaluated 2015-01-12.

Conditions:
Breast-ovarian cancer, familial, susceptibility to, 2 (BROVCA2). Also called: BRCA2 Hereditary Breast and Ovarian Cancer. Identifiers: Orphanet 145, MedGen C2675520, MONDO:0012933, OMIM 612555. Disease mechanism: loss of function.

Allele frequency attached by ClinVar (database versions not stated): gnomAD 0.03714 and 0.04122; TOPMed 0.04222; 1000 Genomes Project 30x 0.07386; 1000 Genomes Project 0.07388.
gnomAD v4.1: 6,225 of 151,002 alleles (4.1%); highest among the groups gnomAD compares: South Asian, 12%; 219 homozygotes.

Submissions (2):

Evidence-based Network for the Interpretation of Germline Mutant Alleles (ENIGMA)
Classification: Benign for Breast-ovarian cancer, familial 2. Last evaluated: 2015-01-12. Review status: reviewed by expert panel. Criteria: ENIGMA BRCA1/2 Classification Criteria (2015). Collection method: curation. Allele origin: germline.
Comment: Class 1 not pathogenic based on frequency >1% in an outbred sampleset. Frequency 0.1049 (Asian), 0.01423 (African), 0.03694 (European), derived from 1000 genomes (2012-04-30).

Breakthrough Genomics
Classification: Benign. Review status: criteria provided, single submitter. Criteria: ACMG Guidelines, 2015. Collection method: not provided. Allele origin: germline. Inheritance: Autosomal recessive inheritance. Affected: yes. Not counted in ClinVar's aggregate classification.